The following is an entry in ClinVar:

NM_020937.4(FANCM):c.5624T>C (p.Val1875Ala)

Gene: FANCM (FA complementation group M; plus strand). Cytogenetic location: 14q21.2.
Variant type: single nucleotide variant.
Coding change: c.5624T>C on transcript NM_020937.4 (MANE Select); coding-DNA position 5624, T replaced by C.
Protein change: p.Val1875Ala; replaces valine 1875 with alanine.
Molecular consequence: missense variant.
Genome position (GRCh38, 1-based): chr14:45,196,455, T>C. VCF-style: chr14-45196455-T-C. GRCh37 (hg19) VCF-style: chr14-45665658-T-C.
Other names: c.5546T>C, p.Val1849Ala (NM_001308133.2); short protein forms V1849A, V1875A.
Identifiers: ClinVar variation 2977618 (VCV002977618.3), dbSNP rs2139320378, ClinGen allele CA389586273.
Genomic context (GRCh38, chr14:45,196,455, plus strand): 5'-ACATCGTGAGTAATCGCATGGTGGTGGAAAGGAGGTCTCAATCTGAGATGTTAAATAGTG[T>C]CAATAAGAACAAGTTCATTGAGCAGATCCAGCACCTGCAGAGTATGTTTGAAAGAATATG-3'
Protein context (NP_065988.1, residues 1865-1885): RRSQSEMLNS[Val1875Ala]NKNKFIEQIQ

ClinVar aggregate classification (germline): Uncertain significance (1 of 4 stars; one submission).

Conditions:
Fanconi anemia (FA). Also called: Fanconi's anemia. Identifiers: Orphanet 84, MedGen C0015625, MeSH D005199, MONDO:0019391.

Submission:

Labcorp Genetics (formerly Invitae), Labcorp
Classification: Uncertain significance for Fanconi anemia. Last evaluated: 2022-11-02. Review status: criteria provided, single submitter. Criteria: Invitae Variant Classification Sherloc (09022015). Collection method: clinical testing. Allele origin: germline.
Comment: In summary, the available evidence is currently insufficient to determine the role of this variant in disease. Therefore, it has been classified as a Variant of Uncertain Significance. Algorithms developed to predict the effect of missense changes on protein structure and function output the following: SIFT: "Tolerated"; PolyPhen-2: "Benign"; Align-GVGD: "Class C0". The alanine amino acid residue is found in multiple mammalian species, which suggests that this missense change does not adversely affect protein function. This variant has not been reported in the literature in individuals affected with FANCM-related conditions. This variant is not present in population databases (gnomAD no frequency). This sequence change replaces valine, which is neutral and non-polar, with alanine, which is neutral and non-polar, at codon 1875 of the FANCM protein (p.Val1875Ala).